The following is an entry in ClinVar:

ClinVar aggregate classification (germline): Conflicting classifications of pathogenicity. Review status: criteria provided, conflicting classifications (1 of 4 stars). 12 submissions from 11 submitters: Uncertain significance (3); Benign (1); Likely benign (5). 3 of the submissions do not count toward it. Last evaluated 2026-07-01.

Conditions:
CDH23-related disorder. Also called: CDH23-related disorders; CDH23-related condition.
Usher syndrome type 1 (USH1). Also called: RETINITIS PIGMENTOSA AND CONGENITAL DEAFNESS. Identifiers: Orphanet 231169, Orphanet 886, MedGen C1568247, MONDO:0010168, OMIM 276900.
Autosomal recessive nonsyndromic hearing loss 12. Also called: DEAFNESS, AUTOSOMAL RECESSIVE 12. Identifiers: Orphanet 90636, MedGen C1832394, MONDO:0011067, OMIM 601386.
Usher syndrome type 1D (USH1D). Also called: USHER SYNDROME, TYPE ID. Identifiers: Orphanet 231169, Orphanet 886, MedGen C1832845, MONDO:0010984, OMIM 601067.

Allele frequency attached by ClinVar (database versions not stated): ESP Exome Variant Server 0.00141; 1000 Genomes Project 30x 0.00062; gnomAD 0.00121 and 0.00124; gnomAD exomes 0.00121 and 0.00185; 1000 Genomes Project 0.00060; TOPMed 0.00098; ExAC 0.00127.
gnomAD v4.1: 2,831 of 1,612,516 alleles (0.18%); highest among the groups gnomAD compares: Non-Finnish European, 0.22%; 4 homozygotes.

Submissions (12):

CeGaT Center for Human Genetics Tuebingen
Classification: Likely benign. Last evaluated: 2026-07-01. Review status: criteria provided, single submitter. Criteria: CeGaT Center For Human Genetics Tuebingen Variant Classification Criteria Version 2. Collection method: clinical testing. Allele origin: germline. Affected: yes. Observed: 11 variant alleles.
Comment: CDH23: BP4, BP7

PreventionGenetics, part of Exact Sciences
Classification: Likely benign for CDH23-related condition. Last evaluated: 2026-06-29. Review status: criteria provided, single submitter. Criteria: ACMG Guidelines, 2015. Collection method: clinical testing. Allele origin: germline.
Comment: This variant is classified as likely benign based on ACMG/AMP sequence variant interpretation guidelines (Richards et al. 2015 PMID: 25741868, with internal and published modifications).

Labcorp Genetics (formerly Invitae), Labcorp
Classification: Benign. Last evaluated: 2026-02-04. Review status: criteria provided, single submitter. Criteria: Invitae Variant Classification Sherloc (09022015). Collection method: clinical testing. Allele origin: germline.

Mayo Clinic Laboratories, Mayo Clinic
Classification: Likely benign. Last evaluated: 2025-04-29. Review status: criteria provided, single submitter. Criteria: ACMG Guidelines, 2015. Collection method: clinical testing. Allele origin: germline. Observed: 2 variant alleles.
Comment: BS1_supporting, BP4, BP7

Blueprint Genetics
Classification: Likely benign. Last evaluated: 2024-11-25. Review status: criteria provided, single submitter. Criteria: ACMG Guidelines, 2015. Collection method: clinical testing. Allele origin: germline.

Eurofins Ntd Llc (ga)
Classification: Uncertain significance. Last evaluated: 2018-08-03. Review status: criteria provided, single submitter. Criteria: EGL ClinVar v180209 classification definitions. Collection method: clinical testing. Allele origin: germline. Observed: 1 variant allele, 1 heterozygote.

Illumina Laboratory Services, Illumina
Classification: Uncertain significance for Autosomal recessive nonsyndromic hearing loss 12. Last evaluated: 2018-06-19. Review status: criteria provided, single submitter. Criteria: ICSL Variant Classification Criteria 13 December 2019. Collection method: clinical testing. Allele origin: germline.

Illumina Laboratory Services, Illumina
Classification: Uncertain significance for Usher syndrome type 1D. Last evaluated: 2018-06-19. Review status: criteria provided, single submitter. Criteria: ICSL Variant Classification Criteria 13 December 2019. Collection method: clinical testing. Allele origin: germline.
Comment: This variant was observed as part of a predisposition screen in an ostensibly healthy population. A literature search was performed for the gene, cDNA change, and amino acid change (where applicable). Publications were found based on this search. However, the evidence from the literature, in combination with allele frequency data from public databases where available, was not sufficient to rule this variant in or out of causing disease. Therefore, this variant is classified as a variant of unknown significance.

Laboratory for Molecular Medicine, Mass General Brigham Personalized Medicine
Classification: Likely benign. Last evaluated: 2017-04-25. Review status: criteria provided, single submitter. Criteria: LMM Criteria. Collection method: clinical testing. Allele origin: germline. Observed: 4 variant alleles.
Comment: p.Ala2216Ala in exon 48 of CDH23: This variant is not expected to have clinical significance because it does not alter an amino acid residue, is not located wit hin the splice consensus sequence, has been identified in 0.2% (259/125932) of E uropean chromosomes by the Genome Aggregation Consortium (dbSNP rs186394654), and is reported as benign in one publication (Os hima 2008).

Natera, Inc.
Classification: Likely benign for Usher syndrome type 1. Last evaluated: 2020-04-17. Review status: no assertion criteria provided. Collection method: clinical testing. Allele origin: germline. Not counted in ClinVar's aggregate classification.

Clinical Genetics DNA and cytogenetics Diagnostics Lab, Erasmus MC, Erasmus Medical Center
Classification: Likely benign. Review status: no assertion criteria provided. Collection method: clinical testing. Allele origin: germline. Affected: yes. Study: VKGL Data-share Consensus. Not counted in ClinVar's aggregate classification.

Clinical Genetics, Academic Medical Center
Classification: Likely benign. Review status: no assertion criteria provided. Collection method: clinical testing. Allele origin: germline. Affected: yes. Study: VKGL Data-share Consensus. Not counted in ClinVar's aggregate classification.

Literature cited by the submitters: PubMed 18429043 (cited by 3 submitters).

NM_022124.6(CDH23):c.6648C>T (p.Ala2216=)

Gene: CDH23 (cadherin related 23; plus strand). Cytogenetic location: 10q22.1.
Variant type: single nucleotide variant.
Coding change: c.6648C>T on transcript NM_022124.6 (MANE Select); coding-DNA position 6648, C replaced by T.
Protein change: p.Ala2216=; no amino-acid change (alanine 2216 retained).
Molecular consequence: synonymous variant.
Genome position (GRCh38, 1-based): chr10:71,793,576, C>T. VCF-style: chr10-71793576-C-T. GRCh37 (hg19) VCF-style: chr10-73553333-C-T.
Other names: p.Ala2216=.
Identifiers: ClinVar variation 46015 (VCV000046015.69), dbSNP rs186394654, ClinGen allele CA137543.